The following is an entry in ClinVar:

NM_139058.3(ARX):c.713A>T (p.Asp238Val)

Gene: ARX (aristaless related homeobox; minus strand). Cytogenetic location: Xp21.3.
Variant type: single nucleotide variant.
Coding change: c.713A>T on transcript NM_139058.3 (MANE Select); coding-DNA position 713, A replaced by T.
Protein change: p.Asp238Val; replaces aspartic acid 238 with valine.
Molecular consequence: missense variant.
Genome position (GRCh38, 1-based): chrX:25,013,282, T>A on the plus strand (A>T on the coding strand, the complement: ARX is on the minus strand). VCF-style: chrX-25013282-T-A. GRCh37 (hg19) VCF-style: chrX-25031399-T-A.
Other names: short protein forms D238V.
Identifiers: ClinVar variation 2944798 (VCV002944798.3), dbSNP rs2519106772, ClinGen allele CA412612590.

ClinVar aggregate classification (germline): Uncertain significance (1 of 4 stars; one submission).

Conditions:
Intellectual disability, X-linked, with or without seizures, ARX-related. Also called: Mental retardation, X-linked 52; INTELLECTUAL DEVELOPMENTAL DISORDER, X-LINKED 29; MENTAL RETARDATION, X-LINKED 29; MENTAL RETARDATION, X-LINKED 32; MENTAL RETARDATION, X-LINKED 33; MENTAL RETARDATION, X-LINKED 38. Identifiers: Orphanet 777, MedGen C0796244, MONDO:0010317, OMIM 300419.
Developmental and epileptic encephalopathy, 1 (DEE1). Also called: Epileptic encephalopathy, early infantile, 1; X-linked infantile spasms; West's syndrome; Tonic spasms with clustering, arrest of psychomotor development and hypsarrhythmia on EEG; X-Linked Infantile Spasm Syndrome; OHTAHARA SYNDROME, X-LINKED. Identifiers: MedGen C3463992, MONDO:0010632, OMIM 308350. Disease mechanism: loss of function.

Submission:

Labcorp Genetics (formerly Invitae), Labcorp
Classification: Uncertain significance for Developmental and epileptic encephalopathy, 1; Intellectual disability, X-linked, with or without seizures, ARX-related. Last evaluated: 2025-05-12. Review status: criteria provided, single submitter. Criteria: Invitae Variant Classification Sherloc (09022015). Collection method: clinical testing. Allele origin: germline.
Comment: This sequence change replaces aspartic acid, which is acidic and polar, with valine, which is neutral and non-polar, at codon 238 of the ARX protein (p.Asp238Val). This variant is not present in population databases (gnomAD no frequency). This variant has not been reported in the literature in individuals affected with ARX-related conditions. ClinVar contains an entry for this variant (Variation ID: 2944798). Invitae Evidence Modeling of protein sequence and biophysical properties (such as structural, functional, and spatial information, amino acid conservation, physicochemical variation, residue mobility, and thermodynamic stability) indicates that this missense variant is not expected to disrupt ARX protein function with a negative predictive value of 95%. In summary, the available evidence is currently insufficient to determine the role of this variant in disease. Therefore, it has been classified as a Variant of Uncertain Significance.